The following is an entry in ClinVar:

NM_025103.4(IFT74):c.431A>G (p.Lys144Arg)

Gene: IFT74 (intraflagellar transport 74; plus strand). Cytogenetic location: 9p21.2.
Variant type: single nucleotide variant.
Coding change: c.431A>G on transcript NM_025103.4 (MANE Select); coding-DNA position 431, A replaced by G.
Protein change: p.Lys144Arg; replaces lysine 144 with arginine.
Molecular consequence: missense variant.
Genome position (GRCh38, 1-based): chr9:26,984,525, A>G. VCF-style: chr9-26984525-A-G. GRCh37 (hg19) VCF-style: chr9-26984523-A-G.
Other names: c.431A>G (NM_025103.2); c.431A>G, p.Lys144Arg (NM_001099222.3, NM_001099223.3, NM_001099224.3 and 1 more transcripts); short protein forms K144R.
Identifiers: ClinVar variation 2200737 (VCV002200737.4), dbSNP rs772276924, ClinGen allele CA5014954.

ClinVar aggregate classification (germline): Uncertain significance. Review status: criteria provided, multiple submitters, no conflicts (2 of 4 stars). 2 submissions from 2 submitters: Uncertain significance (2). Last evaluated 2026-06-02.

Conditions:
IFT74-related disorder. Also called: IFT74-related condition; IFT74-Related Disorders.

Allele frequency attached by ClinVar (database versions not stated): ExAC 0.00002; gnomAD 0.00003; gnomAD exomes 0.00003; TOPMed 0.00003.
gnomAD v4.1: 53 of 1,612,512 alleles (0.0033%); highest among the groups gnomAD compares: African/African-American, 0.004%; no homozygotes.

Submissions (2):

PreventionGenetics, part of Exact Sciences
Classification: Uncertain significance for IFT74-related condition. Last evaluated: 2026-06-02. Review status: criteria provided, single submitter. Criteria: ACMG Guidelines, 2015. Collection method: clinical testing. Allele origin: germline.
Comment: The IFT74 c.431A>G variant is predicted to result in the amino acid substitution p.Lys144Arg. To our knowledge, this variant has not been reported in the literature. This variant is reported in 0.0018% of alleles in individuals of European (Non-Finnish) descent in gnomAD. At this time, the clinical significance of this variant is uncertain due to the absence of conclusive functional and genetic evidence.

Labcorp Genetics (formerly Invitae), Labcorp
Classification: Uncertain significance. Last evaluated: 2025-05-05. Review status: criteria provided, single submitter. Criteria: Invitae Variant Classification Sherloc (09022015). Collection method: clinical testing. Allele origin: germline.
Comment: This sequence change replaces lysine, which is basic and polar, with arginine, which is basic and polar, at codon 144 of the IFT74 protein (p.Lys144Arg). This variant is present in population databases (rs772276924, gnomAD 0.002%). This variant has not been reported in the literature in individuals affected with IFT74-related conditions. ClinVar contains an entry for this variant (Variation ID: 2200737). An algorithm developed to predict the effect of missense changes on protein structure and function (PolyPhen-2) suggests that this variant is likely to be tolerated. In summary, the available evidence is currently insufficient to determine the role of this variant in disease. Therefore, it has been classified as a Variant of Uncertain Significance.